The following is an entry in ClinVar:

ClinVar aggregate classification (germline): Likely benign. Review status: criteria provided, multiple submitters, no conflicts (2 of 4 stars). 3 submissions from 3 submitters: Likely benign (3). Last evaluated 2025-06-02.

Conditions:
Dilated cardiomyopathy 1G (CMD1G). Identifiers: Orphanet 154, MedGen C1858763, MONDO:0011400, OMIM 604145.
Autosomal recessive limb-girdle muscular dystrophy type 2J (LGMDR10). Also called: Limb-girdle muscular dystrophy, type 2J; MUSCULAR DYSTROPHY, LIMB-GIRDLE, AUTOSOMAL RECESSIVE 10. Identifiers: Orphanet 140922, MedGen C1837342, MONDO:0012127, OMIM 608807.
Cardiovascular phenotype. Identifiers: MedGen CN230736.

Allele frequency attached by ClinVar (database versions not stated): gnomAD exomes below 0.00001 and 0.00001; ExAC 0.00002; gnomAD 0.00003; TOPMed 0.00003; ESP Exome Variant Server 0.00008.
gnomAD v4.1: 12 of 1,613,828 alleles (0.00074%); highest among the groups gnomAD compares: African/African-American, 0.011%; no homozygotes.

Submissions (3):

Labcorp Genetics (formerly Invitae), Labcorp
Classification: Likely benign for Dilated cardiomyopathy 1G; Autosomal recessive limb-girdle muscular dystrophy type 2J. Last evaluated: 2025-06-02. Review status: criteria provided, single submitter. Criteria: Invitae Variant Classification Sherloc (09022015). Collection method: clinical testing. Allele origin: germline.

Ambry Genetics
Classification: Likely benign for Cardiovascular phenotype. Last evaluated: 2025-05-08. Review status: criteria provided, single submitter. Criteria: Ambry Variant Classification Scheme 2023. Collection method: clinical testing. Allele origin: germline.

Women's Health and Genetics/Laboratory Corporation of America, LabCorp
Classification: Likely benign. Last evaluated: 2023-11-13. Review status: criteria provided, single submitter. Criteria: LabCorp Variant Classification Summary - May 2015. Collection method: clinical testing. Allele origin: germline.
Comment: Variant summary: TTN c.84078T>C alters a conserved nucleotide resulting in a synonymous change. Consensus agreement among computation tools predict no significant impact on normal splicing. However, these predictions have yet to be confirmed by functional studies. The variant allele was found at a frequency of 8e-06 in 248704 control chromosomes (gnomAD). The available data on variant occurrences in the general population are insufficient to allow any conclusion about variant significance. To our knowledge, no occurrence of c.84078T>C in individuals affected with Limb-Girdle Muscular Dystrophy, Type 2J and no experimental evidence demonstrating its impact on protein function have been reported. One submitter has cited a clinical-significance assessment for this variant to ClinVar after 2014 and has classified the variant as likely benign. Based on the evidence outlined above, the variant was classified as likely benign.

NM_001267550.2(TTN):c.91782T>C (p.Arg30594=)

Genes: TTN-AS1 (TTN antisense RNA 1; plus strand), TTN (titin; minus strand). Cytogenetic location: 2q31.2.
Variant type: single nucleotide variant.
Coding change: c.91782T>C on transcript NM_001267550.2 (MANE Select); coding-DNA position 91782, T replaced by C.
Protein change: p.Arg30594=; no amino-acid change (arginine 30594 retained).
Molecular consequence: synonymous variant.
Genome position (GRCh38, 1-based): chr2:178,550,056, A>G on the plus strand (T>C on the coding strand, the complement: TTN is on the minus strand). VCF-style: chr2-178550056-A-G. GRCh37 (hg19) VCF-style: chr2-179414783-A-G.
Other names: c.86859T>C, p.Arg28953= (NM_001256850.1); c.64587T>C, p.Arg21529= (NM_003319.4); c.84078T>C, p.Arg28026= (NM_133378.4); c.64962T>C, p.Arg21654= (NM_133432.3); c.65163T>C, p.Arg21721= (NM_133437.4).
Identifiers: ClinVar variation 695918 (VCV000695918.10), dbSNP rs374345957, ClinGen allele CA1987564.